The following is an entry in ClinVar:

ClinVar aggregate classification (germline): Uncertain significance (1 of 4 stars; one submission).

Conditions:
ATP8B1-related disorder. Also called: ATP8B1-related condition; ATP8B1-related disorders.

Submission:

PreventionGenetics, part of Exact Sciences
Classification: Uncertain significance for ATP8B1-related condition. Last evaluated: 2026-03-31. Review status: criteria provided, single submitter. Criteria: ACMG Guidelines, 2015. Collection method: clinical testing. Allele origin: germline.
Comment: The ATP8B1 c.324A>G variant is predicted to result in the amino acid substitution p.Ile108Met. To our knowledge, this variant has not been reported in the literature or in a large population database (gnomAD), indicating this variant is rare. At this time, the clinical significance of this variant is uncertain due to the absence of conclusive functional and genetic evidence.

NM_001374385.1(ATP8B1):c.324A>G (p.Ile108Met)

Gene: ATP8B1 (ATPase phospholipid transporting 8B1; minus strand). Cytogenetic location: 18q21.31.
Variant type: single nucleotide variant.
Coding change: c.324A>G on transcript NM_001374385.1 (MANE Select); coding-DNA position 324, A replaced by G.
Protein change: p.Ile108Met; replaces isoleucine 108 with methionine.
Molecular consequence: missense variant.
Genome position (GRCh38, 1-based): chr18:57,704,624, T>C on the plus strand (A>G on the coding strand, the complement: ATP8B1 is on the minus strand). VCF-style: chr18-57704624-T-C. GRCh37 (hg19) VCF-style: chr18-55371856-T-C.
Other names: c.174A>G, p.Ile58Met (NM_001374386.1); c.324A>G, p.Ile108Met (NM_005603.6); short protein forms I108M, I58M.
Identifiers: ClinVar variation 4994623 (VCV004994623.1).